The following is an entry in ClinVar:

NM_014956.5(CEP164):c.1240G>A (p.Gly414Ser)

Gene: CEP164 (centrosomal protein 164; plus strand). Cytogenetic location: 11q23.3.
Variant type: single nucleotide variant.
Coding change: c.1240G>A on transcript NM_014956.5 (MANE Select); coding-DNA position 1240, G replaced by A.
Protein change: p.Gly414Ser; replaces glycine 414 with serine.
Molecular consequence: missense variant.
Genome position (GRCh38, 1-based): chr11:117,375,714, G>A. VCF-style: chr11-117375714-G-A. GRCh37 (hg19) VCF-style: chr11-117246430-G-A.
Other names: c.1240G>A, p.Gly414Ser (NM_001271933.2); c.1240G>A (NM_014956.4); short protein forms G414S.
Identifiers: ClinVar variation 1390660 (VCV001390660.5), dbSNP rs2042670551, ClinGen allele CA382739991.

ClinVar aggregate classification (germline): Uncertain significance. Review status: criteria provided, single submitter (1 of 4 stars). 2 submissions from 2 submitters: Uncertain significance (1). 1 of the submissions does not count toward it. Last evaluated 2021-09-29.

Conditions:
CEP164-related disorder. Also called: CEP164-related condition.
Nephronophthisis 15 (NPHP15). Identifiers: Orphanet 3156, MedGen C3541853, MONDO:0013917, OMIM 614845.

Allele frequency attached by ClinVar (database versions not stated): TOPMed below 0.00001.
gnomAD v4.1: 4 of 1,614,096 alleles (0.00025%); highest among the groups gnomAD compares: Non-Finnish European, 0.00034%; no homozygotes.

Submissions (2):

Labcorp Genetics (formerly Invitae), Labcorp
Classification: Uncertain significance for Nephronophthisis 15. Last evaluated: 2021-09-29. Review status: criteria provided, single submitter. Criteria: Invitae Variant Classification Sherloc (09022015). Collection method: clinical testing. Allele origin: germline.
Comment: This sequence change replaces glycine with serine at codon 414 of the CEP164 protein (p.Gly414Ser). The glycine residue is highly conserved and there is a small physicochemical difference between glycine and serine. This variant is not present in population databases (ExAC no frequency). This variant has not been reported in the literature in individuals affected with CEP164-related conditions. Algorithms developed to predict the effect of missense changes on protein structure and function (SIFT, PolyPhen-2, Align-GVGD) all suggest that this variant is likely to be disruptive. In summary, the available evidence is currently insufficient to determine the role of this variant in disease. Therefore, it has been classified as a Variant of Uncertain Significance.

PreventionGenetics, part of Exact Sciences
Classification: Uncertain significance for CEP164-related condition. Last evaluated: 2023-10-26. Review status: no assertion criteria provided. Collection method: clinical testing. Allele origin: germline. Not counted in ClinVar's aggregate classification.
Comment: The CEP164 c.1240G>A variant is predicted to result in the amino acid substitution p.Gly414Ser. To our knowledge, this variant has not been reported in the literature or in a large population database, indicating this variant is rare. At this time, the clinical significance of this variant is uncertain due to the absence of conclusive functional and genetic evidence.